The following is an entry in ClinVar:

ClinVar aggregate classification (germline): Uncertain significance. Review status: criteria provided, multiple submitters, no conflicts (2 of 4 stars). 2 submissions from 2 submitters: Uncertain significance (2). Last evaluated 2025-09-26.

Conditions:
Inborn genetic diseases. Identifiers: MedGen C0950123, MeSH D030342.

Allele frequency attached by ClinVar (database versions not stated): TOPMed 0.00001; gnomAD 0.00003; gnomAD exomes 0.00003.
gnomAD v4.1: 45 of 1,597,786 alleles (0.0028%); highest among the groups gnomAD compares: Non-Finnish European, 0.0038%; no homozygotes.

Submissions (2):

Ambry Genetics
Classification: Uncertain significance for Inborn genetic diseases. Last evaluated: 2025-09-26. Review status: criteria provided, single submitter. Criteria: Ambry Variant Classification Scheme 2023. Collection method: clinical testing. Allele origin: germline.

Labcorp Genetics (formerly Invitae), Labcorp
Classification: Uncertain significance. Last evaluated: 2025-01-06. Review status: criteria provided, single submitter. Criteria: Invitae Variant Classification Sherloc (09022015). Collection method: clinical testing. Allele origin: germline.
Comment: This sequence change replaces valine, which is neutral and non-polar, with isoleucine, which is neutral and non-polar, at codon 169 of the SZT2 protein (p.Val169Ile). This variant is present in population databases (no rsID available, gnomAD 0.006%). This variant has not been reported in the literature in individuals affected with SZT2-related conditions. ClinVar contains an entry for this variant (Variation ID: 1521034). Invitae Evidence Modeling of protein sequence and biophysical properties (such as structural, functional, and spatial information, amino acid conservation, physicochemical variation, residue mobility, and thermodynamic stability) indicates that this missense variant is not expected to disrupt SZT2 protein function with a negative predictive value of 80%. In summary, the available evidence is currently insufficient to determine the role of this variant in disease. Therefore, it has been classified as a Variant of Uncertain Significance.

NM_001365999.1(SZT2):c.505G>A (p.Val169Ile)

Gene: SZT2 (SZT2 subunit of KICSTOR complex; plus strand). Cytogenetic location: 1p34.2.
Variant type: single nucleotide variant.
Coding change: c.505G>A on transcript NM_001365999.1 (MANE Select); coding-DNA position 505, G replaced by A.
Protein change: p.Val169Ile; replaces valine 169 with isoleucine.
Molecular consequence: missense variant.
Genome position (GRCh38, 1-based): chr1:43,415,088, G>A. VCF-style: chr1-43415088-G-A. GRCh37 (hg19) VCF-style: chr1-43880759-G-A.
Other names: c.505G>A, p.Val169Ile (NM_015284.4); c.505G>A (NM_015284.3); short protein forms V169I.
Identifiers: ClinVar variation 1521034 (VCV001521034.7), dbSNP rs1279553016, ClinGen allele CA340000474.